The following is an entry in ClinVar:

ClinVar aggregate classification (germline): Likely benign (1 of 4 stars; one submission).

Conditions:
DOCK6-related disorder. Also called: DOCK6-related condition.

Submission:

PreventionGenetics, part of Exact Sciences
Classification: Likely benign for DOCK6-related condition. Last evaluated: 2024-10-07. Review status: criteria provided, single submitter. Criteria: ACMG Guidelines, 2015. Collection method: clinical testing. Allele origin: germline.
Comment: This variant is classified as likely benign based on ACMG/AMP sequence variant interpretation guidelines (Richards et al. 2015 PMID: 25741868, with internal and published modifications).

NM_020812.4(DOCK6):c.1566G>C (p.Pro522=)

Gene: DOCK6 (dedicator of cytokinesis 6; minus strand). Cytogenetic location: 19p13.2.
Variant type: single nucleotide variant.
Coding change: c.1566G>C on transcript NM_020812.4 (MANE Select); coding-DNA position 1566, G replaced by C.
Protein change: p.Pro522=; no amino-acid change (proline 522 retained).
Molecular consequence: synonymous variant.
Genome position (GRCh38, 1-based): chr19:11,242,122, C>G on the plus strand (G>C on the coding strand, the complement: DOCK6 is on the minus strand). VCF-style: chr19-11242122-C-G. GRCh37 (hg19) VCF-style: chr19-11352798-C-G.
Other names: c.1566G>C, p.Pro522= (NM_001367830.1).
Identifiers: ClinVar variation 4989075 (VCV004989075.1).